The following is an entry in ClinVar:

NM_006852.6(TLK2):c.1039CCT[1] (p.Pro348del)

Gene: TLK2 (tousled like kinase 2; plus strand). Cytogenetic location: 17q23.2.
Variant type: Microsatellite.
Coding change: c.1039CCT[1] on transcript NM_006852.6 (MANE Select); one copy of the 3-base unit CCT starting at c.1039; the reference has two copies in a row; one copy, 3 bases deleted.
Protein change: p.Pro348del; deletes proline 348.
Molecular consequence: inframe deletion. On other transcripts: inframe indel (1).
Genome position (GRCh38, 1-based): chr17:62,573,288-62,573,290, CCT deleted; deleting any 3 consecutive bases within chr17:62,573,285-62,573,290 gives the same sequence; the position shown is the placement nearest the transcript's 3' end. VCF-style (leftmost placement, unchanged base first): chr17-62573284-ACCT-A. GRCh37 (hg19) VCF-style: chr17-60650645-ACCT-A.
Other names: c.1039CCT[1], p.Pro348del (NM_001284333.3, NM_001375270.1, NM_001375271.1); c.943CCT[1], p.Pro316del (NM_001284363.1, NM_001375272.1); c.592CCT[1], p.Pro199del (NM_001330418.3, NM_001375273.1); c.1081CCT[1], p.Pro362del (NM_001375269.1); c.754_756CCT[1], p.Pro253del (NM_001411074.1); short protein forms P348del, P199del, P253del, P316del, P362del.
Identifiers: ClinVar variation 2136019 (VCV002136019.2), dbSNP rs2080462905, ClinGen allele CA2269535423.
Genomic context (GRCh38, chr17:62,573,284, plus strand): 5'-AAGGATAAATTCACAGAGGGAAGAGATAGAAAGACAACGGAAAATGTTAGCAAAGCGGAA[ACCT>A]CCTGCCATGGGTCAGGCCCCTCCTGCAACCAATGAGCAGAAACAGCGGAAAAGCAAGACC-3'

ClinVar aggregate classification (germline): Uncertain significance (1 of 4 stars; one submission).

Submission:

GeneDx
Classification: Uncertain significance. Last evaluated: 2025-11-05. Review status: criteria provided, single submitter. Criteria: GeneDx Variant Classification Process June 2021. Collection method: clinical testing. Allele origin: germline. Affected: yes.
Comment: In-frame deletion of 1 amino acids in a non-repeat region; Not observed at significant frequency in large population cohorts (gnomAD); In silico analysis supports a deleterious effect on protein structure/function; Has not been previously published as pathogenic or benign to our knowledge